The following is an entry in ClinVar:

ClinVar aggregate classification (germline): Uncertain significance. Review status: criteria provided, multiple submitters, no conflicts (2 of 4 stars). 3 submissions from 3 submitters: Uncertain significance (3). Last evaluated 2025-02-20.

Conditions:
MHC class I deficiency. Identifiers: Orphanet 34592, MedGen C6024714, MONDO:0011476.
MHC class I deficiency 1 (MHC1D1). Also called: BARE LYMPHOCYTE SYNDROME, TYPE I; BLS, TYPE I; HLA CLASS I DEFICIENCY, 1. Identifiers: MedGen C1858266, MONDO:0971006, OMIM 604571.

Allele frequency attached by ClinVar (database versions not stated): ExAC 0.00002; gnomAD 0.00005 and 0.00007; TOPMed 0.00010; gnomAD exomes 0.00002.
gnomAD v4.1: 22 of 1,613,246 alleles (0.0014%); highest among the groups gnomAD compares: African/African-American, 0.017%; no homozygotes.

Submissions (3):

Labcorp Genetics (formerly Invitae), Labcorp
Classification: Uncertain significance for MHC class I deficiency 1. Last evaluated: 2025-02-20. Review status: criteria provided, single submitter. Criteria: Invitae Variant Classification Sherloc (09022015). Collection method: clinical testing. Allele origin: germline.
Comment: This sequence change replaces arginine, which is basic and polar, with tryptophan, which is neutral and slightly polar, at codon 333 of the TAPBP protein (p.Arg333Trp). This variant is present in population databases (rs772349873, gnomAD 0.02%). This variant has not been reported in the literature in individuals affected with TAPBP-related conditions. ClinVar contains an entry for this variant (Variation ID: 850117). An algorithm developed to predict the effect of missense changes on protein structure and function outputs the following: PolyPhen-2: "Benign". The tryptophan amino acid residue is found in multiple mammalian species, which suggests that this missense change does not adversely affect protein function. In summary, the available evidence is currently insufficient to determine the role of this variant in disease. Therefore, it has been classified as a Variant of Uncertain Significance.

Ambry Genetics
Classification: Uncertain significance. Last evaluated: 2024-12-30. Review status: criteria provided, single submitter. Criteria: Ambry Variant Classification Scheme 2023. Collection method: clinical testing. Allele origin: germline.

Revvity Omics, Revvity
Classification: Uncertain significance for MHC class I deficiency 1. Last evaluated: 2019-08-02. Review status: criteria provided, single submitter. Criteria: ACMG Guidelines, 2015. Collection method: clinical testing. Allele origin: germline.

NM_003190.5(TAPBP):c.997C>T (p.Arg333Trp)

Gene: TAPBP (TAP binding protein; minus strand). Cytogenetic location: 6p21.32.
Variant type: single nucleotide variant.
Coding change: c.997C>T on transcript NM_003190.5 (MANE Select); coding-DNA position 997, C replaced by T.
Protein change: p.Arg333Trp; replaces arginine 333 with tryptophan.
Molecular consequence: missense variant.
Genome position (GRCh38, 1-based): chr6:33,304,510, G>A on the plus strand (C>T on the coding strand, the complement: TAPBP is on the minus strand). VCF-style: chr6-33304510-G-A. GRCh37 (hg19) VCF-style: chr6-33272287-G-A.
Other names: c.997C>T, p.Arg333Trp (NM_172208.3); c.736C>T, p.Arg246Trp (NM_172209.3); short protein forms R333W, R246W.
Identifiers: ClinVar variation 850117 (VCV000850117.13), dbSNP rs772349873, ClinGen allele CA3755746.
Genomic context (GRCh38, chr6:33,304,510, plus strand): 5'-GCAGGGCCGAGAGCCACCTCTGCCCCTCGGCCTTCTGAGAGCGGCCCCCTGGGCCACCCC[G>A]GAGTTCCCACTCCACCTCCAGGCCCCCAGAAGGGTAGAAGTGGGACACAAGGCAGAGCAA-3'
Protein context (NP_003181.3, residues 323-343): SGGLEVEWEL[Arg333Trp]GGPGGRSQKA